The following is an entry in ClinVar:

NM_001038603.3(MARVELD2):c.238C>T (p.Arg80Cys)

Gene: MARVELD2 (MARVEL domain containing 2; plus strand). Cytogenetic location: 5q13.2.
Variant type: single nucleotide variant.
Coding change: c.238C>T on transcript NM_001038603.3 (MANE Select); coding-DNA position 238, C replaced by T.
Protein change: p.Arg80Cys; replaces arginine 80 with cysteine.
Molecular consequence: missense variant.
Genome position (GRCh38, 1-based): chr5:69,419,623, C>T. VCF-style: chr5-69419623-C-T. GRCh37 (hg19) VCF-style: chr5-68715450-C-T.
Other names: c.238C>T, p.Arg80Cys (NM_001244734.2); short protein forms R80C.
Identifiers: ClinVar variation 1328627 (VCV001328627.3), dbSNP rs770606860, ClinGen allele CA119991111.

ClinVar aggregate classification (germline): Uncertain significance (1 of 4 stars; one submission).

gnomAD v4.1: 9 of 1,614,082 alleles (0.00056%); highest among the groups gnomAD compares: East Asian, 0.0022%; no homozygotes.

Submission:

GeneDx
Classification: Uncertain significance. Last evaluated: 2025-03-14. Review status: criteria provided, single submitter. Criteria: GeneDx Variant Classification Process June 2021. Collection method: clinical testing. Allele origin: germline. Affected: yes.
Comment: Not observed at significant frequency in large population cohorts (gnomAD); In silico analysis supports that this missense variant has a deleterious effect on protein structure/function; Has not been previously published as pathogenic or benign to our knowledge